The following is an entry in ClinVar:

ClinVar aggregate classification (germline): Uncertain significance (1 of 4 stars; one submission).

Allele frequency attached by ClinVar (database versions not stated): gnomAD exomes below 0.00001.
gnomAD v4.1: 1 of 1,613,978 alleles (0.000062%); highest among the groups gnomAD compares: Middle Eastern, 0.017%; no homozygotes.

Submission:

Labcorp Genetics (formerly Invitae), Labcorp
Classification: Uncertain significance. Last evaluated: 2026-01-19. Review status: criteria provided, single submitter. Criteria: Invitae Variant Classification Sherloc (09022015). Collection method: clinical testing. Allele origin: germline.
Comment: This sequence change replaces asparagine, which is neutral and polar, with serine, which is neutral and polar, at codon 2842 of the KMT2C protein (p.Asn2842Ser). This variant is not present in population databases (gnomAD no frequency). This variant has not been reported in the literature in individuals affected with KMT2C-related conditions. ClinVar contains an entry for this variant (Variation ID: 1978670). An algorithm developed to predict the effect of missense changes on protein structure and function outputs the following: PolyPhen-2: "Benign". The serine amino acid residue is found in multiple mammalian species, which suggests that this missense change does not adversely affect protein function. In summary, the available evidence is currently insufficient to determine the role of this variant in disease. Therefore, it has been classified as a Variant of Uncertain Significance.

NM_170606.3(KMT2C):c.8525A>G (p.Asn2842Ser)

Gene: KMT2C (lysine methyltransferase 2C; minus strand). Cytogenetic location: 7q36.1.
Variant type: single nucleotide variant.
Coding change: c.8525A>G on transcript NM_170606.3 (MANE Select); coding-DNA position 8525, A replaced by G.
Protein change: p.Asn2842Ser; replaces asparagine 2842 with serine.
Molecular consequence: missense variant.
Genome position (GRCh38, 1-based): chr7:152,176,928, T>C on the plus strand (A>G on the coding strand, the complement: KMT2C is on the minus strand). VCF-style: chr7-152176928-T-C. GRCh37 (hg19) VCF-style: chr7-151874013-T-C.
Other names: short protein forms N2842S.
Identifiers: ClinVar variation 1978670 (VCV001978670.4), dbSNP rs2487769395, ClinGen allele CA370079031.